The following is an entry in ClinVar:

ClinVar aggregate classification (germline): Conflicting classifications of pathogenicity. Review status: criteria provided, conflicting classifications (1 of 4 stars). 8 submissions from 8 submitters: Uncertain significance (6); Likely benign (2). Last evaluated 2026-02-23.

Conditions:
Hereditary cancer-predisposing syndrome. Also called: Tumor predisposition; Hereditary Cancer Syndrome; Hereditary neoplastic syndrome; Neoplastic Syndromes, Hereditary. Identifiers: Orphanet 140162, MedGen C0027672, MeSH D009386, MONDO:0015356.
Breast-ovarian cancer, familial, susceptibility to, 2 (BROVCA2). Also called: BRCA2 Hereditary Breast and Ovarian Cancer. Identifiers: Orphanet 145, MedGen C2675520, MONDO:0012933, OMIM 612555. Disease mechanism: loss of function.
Hereditary breast ovarian cancer syndrome. Also called: Hereditary breast and ovarian cancer syndrome (HBOC); Breast and ovarian cancer; Hereditary breast and ovarian cancer; Hereditary breast and ovarian cancer syndrome; BRCA1- and BRCA2-Associated Hereditary Breast and Ovarian Cancer; Hereditary breast and/or ovarian cancer syndrome. Identifiers: Orphanet 145, MedGen C0677776, MeSH D061325, MONDO:0003582. Disease mechanism: loss of function.

Allele frequency attached by ClinVar (database versions not stated): gnomAD exomes 0.00001 and 0.00003; ExAC 0.00004.
gnomAD v4.1: 14 of 1,613,790 alleles (0.00087%); highest among the groups gnomAD compares: South Asian, 0.014%; no homozygotes.

Submissions (8):

Women's Health and Genetics/Laboratory Corporation of America, LabCorp
Classification: Uncertain significance. Last evaluated: 2026-02-23. Review status: criteria provided, single submitter. Criteria: LabCorp Variant Classification Summary - May 2015. Collection method: clinical testing. Allele origin: germline.
Comment: Variant summary: BRCA2 c.6827C>A (p.Pro2276His) results in a non-conservative amino acid change in the encoded protein sequence. Algorithms developed to predict the effect of missense changes on protein structure and function are either unavailable or do not agree on the potential impact of this missense change. The variant allele was found at a frequency of 2.8e-05 in 250196 control chromosomes. The available data on variant occurrences in the general population are insufficient to allow any conclusion about variant significance. To our knowledge, no occurrence of c.6827C>A in individuals affected with BRCA2-related conditions and no experimental evidence demonstrating its impact on protein function have been reported. ClinVar contains an entry for this variant (Variation ID: 480998). Based on the evidence outlined above, the variant was classified as uncertain significance.

Labcorp Genetics (formerly Invitae), Labcorp
Classification: Uncertain significance for Hereditary breast ovarian cancer syndrome. Last evaluated: 2026-01-22. Review status: criteria provided, single submitter. Criteria: Invitae Variant Classification Sherloc (09022015). Collection method: clinical testing. Allele origin: germline.
Comment: This sequence change replaces proline, which is neutral and non-polar, with histidine, which is basic and polar, at codon 2276 of the BRCA2 protein (p.Pro2276His). This variant is present in population databases (rs748541466, gnomAD 0.02%). This variant has not been reported in the literature in individuals affected with BRCA2-related conditions. ClinVar contains an entry for this variant (Variation ID: 480998). Invitae Evidence Modeling of protein sequence and biophysical properties (such as structural, functional, and spatial information, amino acid conservation, physicochemical variation, residue mobility, and thermodynamic stability) indicates that this missense variant is not expected to disrupt BRCA2 protein function with a negative predictive value of 95%. In summary, the available evidence is currently insufficient to determine the role of this variant in disease. Therefore, it has been classified as a Variant of Uncertain Significance.

All of Us Research Program, National Institutes of Health
Classification: Uncertain significance for Breast-ovarian cancer, familial, susceptibility to, 2. Last evaluated: 2023-12-18. Review status: criteria provided, single submitter. Criteria: ACMG Guidelines, 2015. Collection method: clinical testing. Allele origin: germline. Inheritance: Autosomal dominant inheritance. Observed: 1 variant allele, 1 heterozygote.
Comment: This missense variant replaces proline with histidine at codon 2276 of the BRCA2 protein. Computational prediction suggests that this variant may not impact protein structure and function (internally defined REVEL score threshold <= 0.5, PMID: 27666373). Splice site prediction tools suggest that this variant may not impact RNA splicing. To our knowledge, functional studies have not been performed for this variant. This variant has not been reported in individuals affected with hereditary cancer in the literature. This variant has been identified in 7/250196 chromosomes in the general population by the Genome Aggregation Database (gnomAD). The available evidence is insufficient to determine the role of this variant in disease conclusively. Therefore, this variant is classified as a Variant of Uncertain Significance.

This study involves interpretation of variants in research participants for the purpose of population health screening. Participant phenotype was not available at the time of variant classification. Additional details can be found in publication PMID: 35346344, PMCID: PMC8962531

Color Diagnostics, LLC DBA Color Health
Classification: Uncertain significance for Hereditary cancer-predisposing syndrome. Last evaluated: 2023-11-27. Review status: criteria provided, single submitter. Criteria: ACMG Guidelines, 2015. Collection method: clinical testing. Allele origin: germline.
Comment: This missense variant replaces proline with histidine at codon 2276 of the BRCA2 protein. Computational prediction suggests that this variant may not impact protein structure and function (internally defined REVEL score threshold <= 0.5, PMID: 27666373). To our knowledge, functional studies have not been reported for this variant. This variant has been reported in an individual affected with breast cancer (PMID: 37335020). This variant has been identified in 7/250196 chromosomes in the general population by the Genome Aggregation Database (gnomAD). The available evidence is insufficient to determine the role of this variant in disease conclusively. Therefore, this variant is classified as a Variant of Uncertain Significance.

University of Washington Department of Laboratory Medicine, University of Washington
Classification: Likely benign for Hereditary cancer-predisposing syndrome. Last evaluated: 2023-03-23. Review status: criteria provided, single submitter. Criteria: Dines et al. (Genet Med. 2020). Collection method: curation. Allele origin: germline.
Comment: Missense variant in a coldspot region where missense variants are very unlikely to be pathogenic (PMID:31911673).

BRCA2 exon 11 coldspot. Reclassification based on statistical prior probability.

GeneDx
Classification: Uncertain significance. Last evaluated: 2022-11-18. Review status: criteria provided, single submitter. Criteria: GeneDx Variant Classification Process June 2021. Collection method: clinical testing. Allele origin: germline. Affected: yes.
Comment: In silico analysis supports that this missense variant does not alter protein structure/function; Has not been previously published as pathogenic or benign to our knowledge; Also known as 7055C>A

Ambry Genetics
Classification: Likely benign for Hereditary cancer-predisposing syndrome. Last evaluated: 2021-09-22. Review status: criteria provided, single submitter. Criteria: Ambry Variant Classification Scheme 2023. Collection method: clinical testing. Allele origin: germline.

Sema4
Classification: Uncertain significance for Hereditary cancer-predisposing syndrome. Last evaluated: 2021-09-16. Review status: criteria provided, single submitter. Criteria: Sema4 Curation Guidelines. Collection method: curation. Allele origin: germline.
Comment: The BRCA2 c.6827C>A (p.P2276H) variant has not been reported in the literature to our knowledge. This variant was observed in 7/30614 chromosomes in the South Asian population according to the Genome Aggregation Database (PMID: 32461654). The variant has been reported in ClinVar (Variation ID 480998). Functional studies have not been performed, and in silico predictions of the variant's effect on protein function are inconclusive. The evidence is insufficient to meet ACMG/AMP criteria for classifying the variant as benign or pathogenic. Thus, the clinical significance of this variant is currently uncertain.

Literature cited by the submitters: PubMed 37335020 (cited by Color Diagnostics, LLC DBA Color Health); PubMed 29884841 (cited by Ambry Genetics).

NM_000059.4(BRCA2):c.6827C>A (p.Pro2276His)

Gene: BRCA2 (BRCA2 DNA repair associated; plus strand). Cytogenetic location: 13q13.1.
Variant type: single nucleotide variant.
Coding change: c.6827C>A on transcript NM_000059.4 (MANE Select); coding-DNA position 6827, C replaced by A.
Protein change: p.Pro2276His; replaces proline 2276 with histidine.
Molecular consequence: missense variant.
Genome position (GRCh38, 1-based): chr13:32,341,182, C>A. VCF-style: chr13-32341182-C-A. GRCh37 (hg19) VCF-style: chr13-32915319-C-A.
Other names: short protein forms P2276H.
Identifiers: ClinVar variation 480998 (VCV000480998.25), dbSNP rs748541466, ClinGen allele CA6940989.
Genomic context (GRCh38, chr13:32,341,182, plus strand): 5'-GTCCCGAAAATGAGGAAATGGTTTTGTCAAATTCAAGAATTGGAAAAAGAAGAGGAGAGC[C>A]CCTTATCTTAGTGGGTAAGTGTTCATTTTTACCTTTCGTGTTGCCAATCACTATTTTTAA-3'
Protein context (NP_000050.3, residues 2266-2286): NSRIGKRRGE[Pro2276His]LILVGEPSIK